The following is an entry in ClinVar:

ClinVar aggregate classification (germline): Uncertain significance. Review status: criteria provided, multiple submitters, no conflicts (2 of 4 stars). 3 submissions from 3 submitters: Uncertain significance (3). Last evaluated 2023-11-17.

Conditions:
Hereditary cancer-predisposing syndrome. Also called: Neoplastic Syndromes, Hereditary; Hereditary Cancer Syndrome; Hereditary neoplastic syndrome; Tumor predisposition. Identifiers: Orphanet 140162, MedGen C0027672, MeSH D009386, MONDO:0015356.
Familial cancer of breast. Also called: BREAST CANCER, FAMILIAL; hereditary breast carcinoma; Hereditary breast cancer. Identifiers: Orphanet 227535, MedGen C0346153, MONDO:0016419, OMIM 114480. Disease mechanism: loss of function.

Allele frequency attached by ClinVar (database versions not stated): ExAC 0.00001; gnomAD exomes 0.00001.
gnomAD v4.1: 4 of 1,612,682 alleles (0.00025%); highest among the groups gnomAD compares: South Asian, 0.0044%; no homozygotes.

Submissions (3):

Ambry Genetics
Classification: Uncertain significance for Hereditary cancer-predisposing syndrome. Last evaluated: 2023-11-17. Review status: criteria provided, single submitter. Criteria: Ambry Variant Classification Scheme 2023. Collection method: clinical testing. Allele origin: germline.
Comment: The p.D440V variant (also known as c.1319A>T), located in coding exon 5 of the BARD1 gene, results from an A to T substitution at nucleotide position 1319. The aspartic acid at codon 440 is replaced by valine, an amino acid with highly dissimilar properties. This amino acid position is highly conserved in available vertebrate species. In addition, this alteration is predicted to be deleterious by in silico analysis. Since supporting evidence is limited at this time, the clinical significance of this alteration remains unclear.

Labcorp Genetics (formerly Invitae), Labcorp
Classification: Uncertain significance for Familial cancer of breast. Last evaluated: 2022-09-28. Review status: criteria provided, single submitter. Criteria: Invitae Variant Classification Sherloc (09022015). Collection method: clinical testing. Allele origin: germline.
Comment: In summary, the available evidence is currently insufficient to determine the role of this variant in disease. Therefore, it has been classified as a Variant of Uncertain Significance. Algorithms developed to predict the effect of missense changes on protein structure and function (SIFT, PolyPhen-2, Align-GVGD) all suggest that this variant is likely to be disruptive. ClinVar contains an entry for this variant (Variation ID: 479138). This variant has not been reported in the literature in individuals affected with BARD1-related conditions. This variant is present in population databases (rs753446928, gnomAD 0.01%). This sequence change replaces aspartic acid, which is acidic and polar, with valine, which is neutral and non-polar, at codon 440 of the BARD1 protein (p.Asp440Val).

Color Diagnostics, LLC DBA Color Health
Classification: Uncertain significance for Hereditary cancer-predisposing syndrome. Last evaluated: 2019-03-25. Review status: criteria provided, single submitter. Criteria: ACMG Guidelines, 2015. Collection method: clinical testing. Allele origin: germline.

NM_000465.4(BARD1):c.1319A>T (p.Asp440Val)

Gene: BARD1 (BRCA1 associated RING domain 1; minus strand). Cytogenetic location: 2q35.
Variant type: single nucleotide variant.
Coding change: c.1319A>T on transcript NM_000465.4 (MANE Select); coding-DNA position 1319, A replaced by T.
Protein change: p.Asp440Val; replaces aspartic acid 440 with valine.
Molecular consequence: missense variant. On other transcripts: non-coding transcript variant (3), intron variant (3).
Genome position (GRCh38, 1-based): chr2:214,769,308, T>A on the plus strand (A>T on the coding strand, the complement: BARD1 is on the minus strand). VCF-style: chr2-214769308-T-A. GRCh37 (hg19) VCF-style: chr2-215634032-T-A.
Other names: c.1262A>T, p.Asp421Val (NM_001282543.2); c.159-16753A>T (NM_001282548.2); c.216-16753A>T (NM_001282545.2); c.364+22989A>T (NM_001282549.2); short protein forms D440V, D421V.
Identifiers: ClinVar variation 479138 (VCV000479138.14), dbSNP rs753446928, ClinGen allele CA2090288.
Genomic context (GRCh38, chr2:214,769,308, plus strand): 5'-GCATGGTCTTTAACATTTGGATCACTTCCATTTTGTAAAAGGTATTCAACAGAAGGTATG[T>A]CGCCCTAGAAAAATGAACAAAACGGAAATTAAAAAGCATTAAGGAAAGAAAGGAAAATAT-3'
Protein context (NP_000456.2, residues 430-450): TLLHIASIKG[Asp440Val]IPSVEYLLQN